The following is an entry in ClinVar:

ClinVar aggregate classification (germline): Uncertain significance (0 of 4 stars; one submission).

Conditions:
ARFGEF1-related disorder. Also called: ARFGEF1-related condition.

Submission:

PreventionGenetics, part of Exact Sciences
Classification: Uncertain significance for ARFGEF1-related condition. Last evaluated: 2024-03-13. Review status: no assertion criteria provided. Collection method: clinical testing. Allele origin: germline.
Comment: The ARFGEF1 c.3257A>G variant is predicted to result in the amino acid substitution p.Gln1086Arg. To our knowledge, this variant has not been reported in the literature or in a large population database, indicating this variant is rare. At this time, the clinical significance of this variant is uncertain due to the absence of conclusive functional and genetic evidence.

NM_006421.5(ARFGEF1):c.3257A>G (p.Gln1086Arg)

Gene: ARFGEF1 (ARF guanine nucleotide exchange factor 1; minus strand). Cytogenetic location: 8q13.2.
Variant type: single nucleotide variant.
Coding change: c.3257A>G on transcript NM_006421.5 (MANE Select); coding-DNA position 3257, A replaced by G.
Protein change: p.Gln1086Arg; replaces glutamine 1086 with arginine.
Molecular consequence: missense variant. On other transcripts: non-coding transcript variant (1).
Genome position (GRCh38, 1-based): chr8:67,238,375, T>C on the plus strand (A>G on the coding strand, the complement: ARFGEF1 is on the minus strand). VCF-style: chr8-67238375-T-C. GRCh37 (hg19) VCF-style: chr8-68150610-T-C.
Other names: c.3257A>G, p.Gln1086Arg (NM_001413184.1, NM_001413185.1, NM_001413186.1 and 6 more transcripts); c.2657A>G, p.Gln886Arg (NM_001413188.1, NM_001413193.1, NM_001413197.1); c.3251A>G, p.Gln1084Arg (NM_001413190.1); c.1832A>G, p.Gln611Arg (NM_001413196.1); short protein forms Q1084R, Q1086R, Q611R, Q886R.
Identifiers: ClinVar variation 3349198 (VCV003349198.1).